The following is an entry in ClinVar:

NM_003238.6(TGFB2):c.73A>C (p.Ser25Arg)

Gene: TGFB2 (transforming growth factor beta 2; plus strand). Cytogenetic location: 1q41.
Variant type: single nucleotide variant.
Coding change: c.73A>C on transcript NM_003238.6 (MANE Select); coding-DNA position 73, A replaced by C.
Protein change: p.Ser25Arg; replaces serine 25 with arginine.
Molecular consequence: missense variant. On other transcripts: non-coding transcript variant (2).
Genome position (GRCh38, 1-based): chr1:218,346,774, A>C. VCF-style: chr1-218346774-A-C. GRCh37 (hg19) VCF-style: chr1-218520116-A-C.
Other names: c.73A>C, p.Ser25Arg (NM_001135599.4); short protein forms S25R.
Identifiers: ClinVar variation 1758709 (VCV001758709.2), dbSNP rs2464548677, ClinGen allele CA344725216.

ClinVar aggregate classification (germline): Uncertain significance (1 of 4 stars; one submission).

Conditions:
Familial thoracic aortic aneurysm and aortic dissection (TAAD). Also called: Thoracic aortic aneurysms and dissections. Identifiers: Orphanet 91387, MedGen C4707243, MONDO:0019625.

Submission:

Ambry Genetics
Classification: Uncertain significance for Familial thoracic aortic aneurysm and aortic dissection. Last evaluated: 2020-02-12. Review status: criteria provided, single submitter. Criteria: Ambry Variant Classification Scheme 2023. Collection method: clinical testing. Allele origin: germline.
Comment: The p.S25R variant (also known as c.73A>C), located in coding exon 1 of the TGFB2 gene, results from an A to C substitution at nucleotide position 73. The serine at codon 25 is replaced by arginine, an amino acid with dissimilar properties. This amino acid position is highly conserved in available vertebrate species. In addition, the in silico prediction for this alteration is inconclusive. Since supporting evidence is limited at this time, the clinical significance of this alteration remains unclear.